The following is an entry in ClinVar:

ClinVar aggregate classification (germline): Likely benign. Review status: criteria provided, multiple submitters, no conflicts (2 of 4 stars). 3 submissions from 3 submitters: Likely benign (3). Last evaluated 2025-11-15.

Conditions:
Nephronophthisis 16 (NPHP16). Identifiers: Orphanet 655, MedGen C3809320, MONDO:0014158, OMIM 615382.

Allele frequency attached by ClinVar (database versions not stated): ExAC 0.00016; gnomAD 0.00058 and 0.00065; gnomAD exomes 0.00013 and 0.00005; TOPMed 0.00058; ESP Exome Variant Server 0.00079.
gnomAD v4.1: 164 of 1,613,832 alleles (0.01%); highest among the groups gnomAD compares: African/African-American, 0.18%; no homozygotes.

Submissions (3):

Labcorp Genetics (formerly Invitae), Labcorp
Classification: Likely benign for Nephronophthisis 16. Last evaluated: 2025-11-15. Review status: criteria provided, single submitter. Criteria: Invitae Variant Classification Sherloc (09022015). Collection method: clinical testing. Allele origin: germline.

Mayo Clinic Laboratories, Mayo Clinic
Classification: Likely benign. Last evaluated: 2024-12-27. Review status: criteria provided, single submitter. Criteria: ACMG Guidelines, 2015. Collection method: clinical testing. Allele origin: germline. Observed: 2 variant alleles.
Comment: BS1, BP4, BP7

Fulgent Genetics
Classification: Likely benign for Nephronophthisis 16. Last evaluated: 2022-02-08. Review status: criteria provided, single submitter. Criteria: ACMG Guidelines, 2015. Collection method: clinical testing. Allele origin: unknown.

NM_173551.5(ANKS6):c.2409G>A (p.Ala803=)

Gene: ANKS6 (ankyrin repeat and sterile alpha motif domain containing 6; minus strand). Cytogenetic location: 9q22.33.
Variant type: single nucleotide variant.
Coding change: c.2409G>A on transcript NM_173551.5 (MANE Select); coding-DNA position 2409, G replaced by A.
Protein change: p.Ala803=; no amino-acid change (alanine 803 retained).
Molecular consequence: synonymous variant.
Genome position (GRCh38, 1-based): chr9:98,745,661, C>T on the plus strand (G>A on the coding strand, the complement: ANKS6 is on the minus strand). VCF-style: chr9-98745661-C-T. GRCh37 (hg19) VCF-style: chr9-101507943-C-T.
Other names: p.Ala803=.
Identifiers: ClinVar variation 1130107 (VCV001130107.11), dbSNP rs373756771, ClinGen allele CA5153142.